The following is an entry in ClinVar:

ClinVar aggregate classification (germline): Uncertain significance (1 of 4 stars; one submission).

gnomAD v4.1: 15 of 1,611,136 alleles (0.00093%); highest among the groups gnomAD compares: East Asian, 0.0067%; no homozygotes.

Submission:

Labcorp Genetics (formerly Invitae), Labcorp
Classification: Uncertain significance. Last evaluated: 2024-10-27. Review status: criteria provided, single submitter. Criteria: Invitae Variant Classification Sherloc (09022015). Collection method: clinical testing. Allele origin: germline.
Comment: This sequence change replaces arginine, which is basic and polar, with histidine, which is basic and polar, at codon 373 of the CAPN5 protein (p.Arg373His). This variant is present in population databases (rs782751635, gnomAD 0.003%). This variant has not been reported in the literature in individuals affected with CAPN5-related conditions. Invitae Evidence Modeling of protein sequence and biophysical properties (such as structural, functional, and spatial information, amino acid conservation, physicochemical variation, residue mobility, and thermodynamic stability) has been performed for this missense variant. However, the output from this modeling did not meet the statistical confidence thresholds required to predict the impact of this variant on CAPN5 protein function. In summary, the available evidence is currently insufficient to determine the role of this variant in disease. Therefore, it has been classified as a Variant of Uncertain Significance.

NM_004055.5(CAPN5):c.1118G>A (p.Arg373His)

Gene: CAPN5 (calpain 5; plus strand). Cytogenetic location: 11q13.5.
Variant type: single nucleotide variant.
Coding change: c.1118G>A on transcript NM_004055.5 (MANE Select); coding-DNA position 1118, G replaced by A.
Protein change: p.Arg373His; replaces arginine 373 with histidine.
Molecular consequence: missense variant. On other transcripts: non-coding transcript variant (1).
Genome position (GRCh38, 1-based): chr11:77,118,303, G>A. VCF-style: chr11-77118303-G-A. GRCh37 (hg19) VCF-style: chr11-76829349-G-A.
Other names: c.1238G>A, p.Arg413His (NM_001425321.1); c.1118G>A, p.Arg373His (NM_001425322.1); c.986G>A, p.Arg329His (NM_001425323.1); short protein forms R413H, R329H, R373H.
Identifiers: ClinVar variation 3713051 (VCV003713051.2).
Genomic context (GRCh38, chr11:77,118,303, plus strand): 5'-CGTGGGAGGAGGCCCGGCTGCATGGCGCCTGGACGCTGCATGAGGACCCGCGACAGAACC[G>A]CGGTGGCGGCTGCATCAACCACAAGGACACCTTCTTCCAGAACCCACAGGTGGGCGTTCT-3'
Protein context (NP_004046.2, residues 363-383): WTLHEDPRQN[Arg373His]GGGCINHKDT